The following is an entry in ClinVar:

NM_000719.7(CACNA1C):c.4960G>A (p.Gly1654Ser)

Genes: CACNA1C (calcium voltage-gated channel subunit alpha1 C; plus strand), CACNA1C-AS1 (CACNA1C antisense RNA 1; minus strand). Cytogenetic location: 12p13.33.
Variant type: single nucleotide variant.
Coding change: c.4960G>A on transcript NM_000719.7 (MANE Select); coding-DNA position 4960, G replaced by A.
Protein change: p.Gly1654Ser; replaces glycine 1654 with serine.
Molecular consequence: missense variant. On other transcripts: non-coding transcript variant (1).
Genome position (GRCh38, 1-based): chr12:2,677,736, G>A. VCF-style: chr12-2677736-G-A. GRCh37 (hg19) VCF-style: chr12-2786902-G-A.
Other names: c.5104G>A, p.Gly1702Ser (NM_001129827.2, NM_199460.4); c.5083G>A, p.Gly1695Ser (NM_001129829.2); c.4960G>A, p.Gly1654Ser (NM_001129830.3, NM_001129840.2, NM_001129841.2 and 4 more transcripts); c.5044G>A, p.Gly1682Ser (NM_001129831.2); c.5020G>A, p.Gly1674Ser (NM_001129832.2); c.5017G>A, p.Gly1673Ser (NM_001129833.2, NM_001129834.2, NM_001129835.2); c.5011G>A, p.Gly1671Ser (NM_001129836.2); c.4984G>A, p.Gly1662Ser (NM_001129837.2, NM_001129838.2); and 3 more; short protein forms G1673S, G1654S, G1660S, G1682S, G1702S, G1643S, G1662S, G1695S.
Identifiers: ClinVar variation 3483947 (VCV003483947.1).

ClinVar aggregate classification (germline): Uncertain significance (1 of 4 stars; one submission).

Conditions:
Cardiovascular phenotype. Identifiers: MedGen CN230736.

Submission:

Ambry Genetics
Classification: Uncertain significance for Cardiovascular phenotype. Last evaluated: 2024-10-05. Review status: criteria provided, single submitter. Criteria: Ambry Variant Classification Scheme 2023. Collection method: clinical testing. Allele origin: germline.
Comment: The p.G1654S variant (also known as c.4960G>A), located in coding exon 41 of the CACNA1C gene, results from a G to A substitution at nucleotide position 4960. The glycine at codon 1654 is replaced by serine, an amino acid with similar properties. This amino acid position is highly conserved in available vertebrate species. In addition, this alteration is predicted to be deleterious by in silico analysis. Based on the available evidence, the clinical significance of this variant remains unclear.